The following is an entry in ClinVar:

NM_001105206.3(LAMA4):c.667C>G (p.Arg223Gly)

Gene: LAMA4 (laminin subunit alpha 4; minus strand). Cytogenetic location: 6q21.
Variant type: single nucleotide variant.
Coding change: c.667C>G on transcript NM_001105206.3 (MANE Select); coding-DNA position 667, C replaced by G.
Protein change: p.Arg223Gly; replaces arginine 223 with glycine.
Molecular consequence: missense variant.
Genome position (GRCh38, 1-based): chr6:112,191,687, G>C on the plus strand (C>G on the coding strand, the complement: LAMA4 is on the minus strand). VCF-style: chr6-112191687-G-C. GRCh37 (hg19) VCF-style: chr6-112512889-G-C.
Other names: c.667C>G, p.Arg223Gly (NM_001105207.3, NM_002290.5); short protein forms R223G.
Identifiers: ClinVar variation 3343062 (VCV003343062.1).
Genomic context (GRCh38, chr6:112,191,687, plus strand): 5'-ATACTGCACCTGCACAGTTCTTGGCTATCCTGGCGTCCCCATAGTAGCCAGGAGCGCAAC[G>C]TTCACACTTGAATCCGGTGGTGTTGCGTAAGCAATTCCTACACTGGCCAGTGACTTCATC-3'
Protein context (NP_001098676.2, residues 213-233): LRNTTGFKCE[Arg223Gly]CAPGYYGDAR

ClinVar aggregate classification (germline): Uncertain significance (1 of 4 stars; one submission).

gnomAD v4.1: 7 of 1,614,086 alleles (0.00043%); highest among the groups gnomAD compares: Middle Eastern, 0.05%; no homozygotes.

Submission:

GeneDx
Classification: Uncertain significance. Last evaluated: 2023-04-18. Review status: criteria provided, single submitter. Criteria: GeneDx Variant Classification Process June 2021. Collection method: clinical testing. Allele origin: germline. Affected: yes.
Comment: Has not been previously published as pathogenic or benign to our knowledge; Not observed at significant frequency in large population cohorts (gnomAD); In silico analysis supports that this missense variant has a deleterious effect on protein structure/function